The following is an entry in ClinVar:

NM_001114753.3(ENG):c.815G>A (p.Trp272Ter)

Gene: ENG (endoglin; minus strand). Cytogenetic location: 9q34.11.
Variant type: single nucleotide variant.
Coding change: c.815G>A on transcript NM_001114753.3 (MANE Select); coding-DNA position 815, G replaced by A.
Protein change: p.Trp272Ter; replaces tryptophan 272 with a stop codon.
Molecular consequence: nonsense.
Genome position (GRCh38, 1-based): chr9:127,825,232, C>T on the plus strand (G>A on the coding strand, the complement: ENG is on the minus strand). VCF-style: chr9-127825232-C-T. GRCh37 (hg19) VCF-style: chr9-130587511-C-T.
Other names: c.815G>A, p.Trp272Ter (NM_000118.4, NM_001406715.1); c.269G>A, p.Trp90Ter (NM_001278138.2); short protein forms W272*, W90*.
Identifiers: ClinVar variation 648888 (VCV000648888.10), dbSNP rs1588581785, ClinGen allele CA374983007.

ClinVar aggregate classification (germline): Pathogenic. Review status: criteria provided, multiple submitters, no conflicts (2 of 4 stars). 2 submissions from 2 submitters: Pathogenic (2). Last evaluated 2021-03-28.

Conditions:
Cardiovascular phenotype. Identifiers: MedGen CN230736.
Hereditary hemorrhagic telangiectasia (HHT). Also called: ORW DISEASE; Osler Weber Rendu syndrome; OSLER-RENDU-WEBER DISEASE; Osler hemorrhagic telangiectasia syndrome. Identifiers: Orphanet 774, MedGen C0039445, MONDO:0019180. Disease mechanism: loss of function.

Submissions (2):

Labcorp Genetics (formerly Invitae), Labcorp
Classification: Pathogenic for Hereditary hemorrhagic telangiectasia. Last evaluated: 2021-03-28. Review status: criteria provided, single submitter. Criteria: Invitae Variant Classification Sherloc (09022015). Collection method: clinical testing. Allele origin: germline.
Comment: For these reasons, this variant has been classified as Pathogenic. This variant has not been reported in the literature in individuals with ENG-related conditions. ClinVar contains an entry for this variant (Variation ID: 648888). This variant is not present in population databases (ExAC no frequency). This sequence change creates a premature translational stop signal (p.Trp272*) in the ENG gene. It is expected to result in an absent or disrupted protein product. Loss-of-function variants in ENG are known to be pathogenic (PMID: 15879500).

Ambry Genetics
Classification: Pathogenic for Cardiovascular phenotype. Last evaluated: 2017-11-13. Review status: criteria provided, single submitter. Criteria: Ambry Variant Classification Scheme 2023. Collection method: clinical testing. Allele origin: germline.
Comment: The p.W272* pathogenic mutation (also known as c.815G>A), located in coding exon 6 of the ENG gene, results from a G to A substitution at nucleotide position 815. This changes the amino acid from a tryptophan to a stop codon within coding exon 6. This mutation was identified in an individual with epistaxis, telangiectasia, pulmonary arteriovenous malformation, and family history of hereditary hemorrhagic telangiectasia (McDonald J et al. Clin. Genet., 2011 Apr;79:335-44). In addition to the clinical data presented in the literature, this alteration is expected to result in loss of function by premature protein truncation or nonsense-mediated mRNA decay. As such, this alteration is interpreted as a disease-causing mutation.

Literature cited by the submitters: PubMed 15879500 (cited by Labcorp Genetics (formerly Invitae), Labcorp); PubMed 21158752 (cited by Ambry Genetics).